The following is an entry in ClinVar:

ClinVar aggregate classification (germline): Likely benign (1 of 4 stars; one submission).

Submission:

CeGaT Center for Human Genetics Tuebingen
Classification: Likely benign. Last evaluated: 2023-08-01. Review status: criteria provided, single submitter. Criteria: CeGaT Center For Human Genetics Tuebingen Variant Classification Criteria Version 2. Collection method: clinical testing. Allele origin: germline. Affected: yes. Observed: 1 variant allele.
Comment: NUTM2B: PP2, BP4, BS1

NM_001278495.2(NUTM2B):c.925A>G (p.Ser309Gly)

Genes: NUTM2B (NUT family member 2B; plus strand), NUTM2B-AS1 (NUTM2B antisense RNA 1; minus strand). Cytogenetic location: 10q22.3.
Variant type: single nucleotide variant.
Coding change: c.925A>G on transcript NM_001278495.2 (MANE Select); coding-DNA position 925, A replaced by G.
Protein change: p.Ser309Gly; replaces serine 309 with glycine.
Molecular consequence: missense variant.
Genome position (GRCh38, 1-based): chr10:79,706,584, A>G. VCF-style: chr10-79706584-A-G. GRCh37 (hg19) VCF-style: chr10-81466340-A-G.
Other names: short protein forms S309G.
Identifiers: ClinVar variation 2640642 (VCV002640642.24), dbSNP rs1398069907, ClinGen allele CA377415973.